The following is an entry in ClinVar:

NM_004218.4(RAB11B):c.59C>T (p.Ser20Leu)

Gene: RAB11B (RAB11B, member RAS oncogene family; plus strand). Cytogenetic location: 19p13.2.
Variant type: single nucleotide variant.
Coding change: c.59C>T on transcript NM_004218.4 (MANE Select); coding-DNA position 59, C replaced by T.
Protein change: p.Ser20Leu; replaces serine 20 with leucine.
Molecular consequence: missense variant.
Genome position (GRCh38, 1-based): chr19:8,399,881, C>T. VCF-style: chr19-8399881-C-T. GRCh37 (hg19) VCF-style: chr19-8464765-C-T.
Other names: short protein forms S20L.
Identifiers: ClinVar variation 4077354 (VCV004077354.1).
Genomic context (GRCh38, chr19:8,399,881, plus strand): 5'-GGTGGAGTGTGGGGATTCACAGAACCTCGCCTTCCCGCCCAGTGGTGCTCATCGGGGACT[C>T]AGGCGTGGGCAAGAGCAACCTGCTGTCGCGCTTCACCCGCAACGAGTTCAACCTGGAGAG-3'
Protein context (NP_004209.2, residues 10-30): YLFKVVLIGD[Ser20Leu]GVGKSNLLSR

ClinVar aggregate classification (germline): Uncertain significance (1 of 4 stars; one submission).

Submission:

GeneDx
Classification: Uncertain significance. Last evaluated: 2025-02-27. Review status: criteria provided, single submitter. Criteria: GeneDx Variant Classification Process June 2021. Collection method: clinical testing. Allele origin: germline. Affected: yes.
Comment: Not observed at significant frequency in large population cohorts (gnomAD); In silico analysis supports that this missense variant has a deleterious effect on protein structure/function; Has not been previously published as pathogenic or benign to our knowledge